The following is an entry in ClinVar:

NM_005732.4(RAD50):c.1389A>T (p.Glu463Asp)

Gene: RAD50 (RAD50 double strand break repair protein; plus strand). Cytogenetic location: 5q31.1.
Variant type: single nucleotide variant.
Coding change: c.1389A>T on transcript NM_005732.4 (MANE Select); coding-DNA position 1389, A replaced by T.
Protein change: p.Glu463Asp; replaces glutamic acid 463 with aspartic acid.
Molecular consequence: missense variant.
Genome position (GRCh38, 1-based): chr5:132,589,774, A>T. VCF-style: chr5-132589774-A-T. GRCh37 (hg19) VCF-style: chr5-131925466-A-T.
Other names: short protein forms E463D.
Identifiers: ClinVar variation 568759 (VCV000568759.14), dbSNP rs528351466, ClinGen allele CA3405163.

ClinVar aggregate classification (germline): Uncertain significance. Review status: criteria provided, multiple submitters, no conflicts (2 of 4 stars). 2 submissions from 2 submitters: Uncertain significance (2). Last evaluated 2025-08-22.

Conditions:
Hereditary cancer-predisposing syndrome. Also called: Neoplastic Syndromes, Hereditary; Tumor predisposition; Hereditary neoplastic syndrome; Hereditary Cancer Syndrome. Identifiers: Orphanet 140162, MedGen C0027672, MeSH D009386, MONDO:0015356.

Allele frequency attached by ClinVar (database versions not stated): gnomAD exomes below 0.00001 and 0.00001; TOPMed below 0.00001; ExAC 0.00001; gnomAD 0.00001; 1000 Genomes Project 30x 0.00016; 1000 Genomes Project 0.00020.
gnomAD v4.1: 2 of 1,613,796 alleles (0.00012%); highest among the groups gnomAD compares: African/African-American, 0.0027%; no homozygotes.

Submissions (2):

Ambry Genetics
Classification: Uncertain significance for Hereditary cancer-predisposing syndrome. Last evaluated: 2025-08-22. Review status: criteria provided, single submitter. Criteria: Ambry Variant Classification Scheme 2023. Collection method: clinical testing. Allele origin: germline.
Comment: The p.E463D variant (also known as c.1389A>T), located in coding exon 9 of the RAD50 gene, results from an A to T substitution at nucleotide position 1389. The glutamic acid at codon 463 is replaced by aspartic acid, an amino acid with highly similar properties. This amino acid position is well conserved in available vertebrate species. In addition, this alteration is predicted to be tolerated by in silico analysis. Since supporting evidence is limited at this time, the clinical significance of this alteration remains unclear.

Labcorp Genetics (formerly Invitae), Labcorp
Classification: Uncertain significance for Hereditary cancer-predisposing syndrome. Last evaluated: 2023-07-16. Review status: criteria provided, single submitter. Criteria: Invitae Variant Classification Sherloc (09022015). Collection method: clinical testing. Allele origin: germline.
Comment: ClinVar contains an entry for this variant (Variation ID: 568759). In summary, the available evidence is currently insufficient to determine the role of this variant in disease. Therefore, it has been classified as a Variant of Uncertain Significance. Advanced modeling of protein sequence and biophysical properties (such as structural, functional, and spatial information, amino acid conservation, physicochemical variation, residue mobility, and thermodynamic stability) performed at Invitae indicates that this missense variant is not expected to disrupt RAD50 protein function. This variant has not been reported in the literature in individuals affected with RAD50-related conditions. This variant is present in population databases (rs528351466, gnomAD 0.01%). This sequence change replaces glutamic acid, which is acidic and polar, with aspartic acid, which is acidic and polar, at codon 463 of the RAD50 protein (p.Glu463Asp).